The following is an entry in ClinVar:

ClinVar aggregate classification (germline): Conflicting classifications of pathogenicity. Review status: criteria provided, conflicting classifications (1 of 4 stars). 2 submissions from 2 submitters: Uncertain significance (1); Likely benign (1). Last evaluated 2022-12-30.

Conditions:
Torsion dystonia 6 (DYT6). Also called: DYT-THAP1. Identifiers: Orphanet 98806, MedGen C1414216, MONDO:0011264, OMIM 602629.

Allele frequency attached by ClinVar (database versions not stated): ExAC 0.00002; gnomAD 0.00002; gnomAD exomes 0.00003 and 0.00020; TOPMed 0.00003; ESP Exome Variant Server 0.00008.

Submissions (2):

Labcorp Genetics (formerly Invitae), Labcorp
Classification: Uncertain significance for Torsion dystonia 6. Last evaluated: 2022-12-30. Review status: criteria provided, single submitter. Criteria: Invitae Variant Classification Sherloc (09022015). Collection method: clinical testing. Allele origin: germline.
Comment: ClinVar contains an entry for this variant (Variation ID: 653740). Variants that disrupt the consensus splice site are a relatively common cause of aberrant splicing (PMID: 17576681, 9536098). Algorithms developed to predict the effect of sequence changes on RNA splicing suggest that this variant is not likely to affect RNA splicing. In summary, the available evidence is currently insufficient to determine the role of this variant in disease. Therefore, it has been classified as a Variant of Uncertain Significance. This variant has not been reported in the literature in individuals affected with THAP1-related conditions. This sequence change falls in intron 2 of the THAP1 gene. It does not directly change the encoded amino acid sequence of the THAP1 protein. It affects a nucleotide within the consensus splice site. This variant is present in population databases (rs373843959, gnomAD 0.006%).

Illumina Laboratory Services, Illumina
Classification: Likely benign for Torsion dystonia 6. Last evaluated: 2018-01-13. Review status: criteria provided, single submitter. Criteria: ICSL Variant Classification Criteria 13 December 2019. Collection method: clinical testing. Allele origin: germline.
Comment: This variant was observed in the ICSL laboratory as part of a predisposition screen in an ostensibly healthy population. It had not been previously curated by ICSL or reported in the Human Gene Mutation Database (HGMD: prior to June 1st, 2018), and was therefore a candidate for classification through an automated scoring system. Utilizing variant allele frequency, disease prevalence and penetrance estimates, and inheritance mode, an automated score was calculated to assess if this variant is too frequent to cause the disease. Based on the score and internal cut-off values, a variant classified as likely benign is not then subjected to further curation. The score for this variant resulted in a classification of likely benign for this disease.

Literature cited by the submitters: PubMed 17576681 (cited by Labcorp Genetics (formerly Invitae), Labcorp); PubMed 9536098 (cited by Labcorp Genetics (formerly Invitae), Labcorp).

NM_018105.3(THAP1):c.267+6A>G

Gene: THAP1 (THAP domain containing 1; minus strand). Cytogenetic location: 8p11.21.
Variant type: single nucleotide variant.
Coding change: c.267+6A>G on transcript NM_018105.3 (MANE Select); 6 bases into the intron after coding-DNA position 267, A replaced by G.
Molecular consequence: intron variant.
Genome position (GRCh38, 1-based): chr8:42,839,180, T>C on the plus strand (A>G on the coding strand, the complement: THAP1 is on the minus strand). VCF-style: chr8-42839180-T-C. GRCh37 (hg19) VCF-style: chr8-42694323-T-C.
Other names: c.72-844A>G (NM_199003.2).
Identifiers: ClinVar variation 653740 (VCV000653740.10), dbSNP rs373843959, ClinGen allele CA4734575.